The following is an entry in ClinVar:

ClinVar aggregate classification (germline): Uncertain significance (1 of 4 stars; one submission).

Submission:

GeneDx
Classification: Uncertain significance. Last evaluated: 2022-03-09. Review status: criteria provided, single submitter. Criteria: GeneDx Variant Classification Process June 2021. Collection method: clinical testing. Allele origin: germline. Affected: yes.
Comment: Not observed at significant frequency in large population cohorts (gnomAD); In silico analysis supports that this missense variant has a deleterious effect on protein structure/function; Has not been previously published as pathogenic or benign to our knowledge

NM_004974.4(KCNA2):c.1135G>A (p.Asp379Asn)

Gene: KCNA2 (potassium voltage-gated channel subfamily A member 2; minus strand). Cytogenetic location: 1p13.3.
Variant type: single nucleotide variant.
Coding change: c.1135G>A on transcript NM_004974.4 (MANE Select); coding-DNA position 1135, G replaced by A.
Protein change: p.Asp379Asn; replaces aspartic acid 379 with asparagine.
Molecular consequence: missense variant. On other transcripts: intron variant (1).
Genome position (GRCh38, 1-based): chr1:110,603,648, C>T on the plus strand (G>A on the coding strand, the complement: KCNA2 is on the minus strand). VCF-style: chr1-110603648-C-T. GRCh37 (hg19) VCF-style: chr1-111146270-C-T.
Other names: c.894+241G>A (NM_001204269.2); short protein forms D379N.
Identifiers: ClinVar variation 1704889 (VCV001704889.2), dbSNP rs2101397006, ClinGen allele CA341601694.
Genomic context (GRCh38, chr1:110,603,648, plus strand): 5'-CACCTGCAATCGCACATAGGGAACCCACTATCTTTCCCCCAATGGTAGTCGGAACCATGT[C>T]TCCATAGCCTACAGTTGTCATGGAGACGACTGCCCACCAGAAGGCATCTGGGATGCTGGG-3'
Protein context (NP_004965.1, residues 369-389): VVSMTTVGYG[Asp379Asn]MVPTTIGGKI